The following is an entry in ClinVar:

ClinVar aggregate classification (germline): Uncertain significance (1 of 4 stars; one submission).

Conditions:
Inborn genetic diseases. Identifiers: MedGen C0950123, MeSH D030342.

gnomAD v4.1: 4 of 1,614,094 alleles (0.00025%); highest among the groups gnomAD compares: South Asian, 0.0033%; no homozygotes.

Submission:

Ambry Genetics
Classification: Uncertain significance for Inborn genetic diseases. Last evaluated: 2025-12-05. Review status: criteria provided, single submitter. Criteria: Ambry Variant Classification Scheme 2023. Collection method: clinical testing. Allele origin: germline.
Comment: The p.L1019F variant (also known as c.3055C>T), located in coding exon 13 of the BMPR2 gene, results from a C to T substitution at nucleotide position 3055. The leucine at codon 1019 is replaced by phenylalanine, an amino acid with highly similar properties. This amino acid position is conserved. In addition, this alteration is predicted to be deleterious by in silico analysis. Based on the available evidence, the clinical significance of this variant remains unclear.

NM_001204.7(BMPR2):c.3055C>T (p.Leu1019Phe)

Gene: BMPR2 (bone morphogenetic protein receptor type 2; plus strand). Cytogenetic location: 2q33.2.
Variant type: single nucleotide variant.
Coding change: c.3055C>T on transcript NM_001204.7 (MANE Select); coding-DNA position 3055, C replaced by T.
Protein change: p.Leu1019Phe; replaces leucine 1019 with phenylalanine.
Molecular consequence: missense variant.
Genome position (GRCh38, 1-based): chr2:202,559,884, C>T. VCF-style: chr2-202559884-C-T. GRCh37 (hg19) VCF-style: chr2-203424607-C-T.
Other names: short protein forms L1019F.
Identifiers: ClinVar variation 4598063 (VCV004598063.1).